The following is an entry in ClinVar:

ClinVar aggregate classification (germline): Uncertain significance (1 of 4 stars; one submission).

Allele frequency attached by ClinVar (database versions not stated): gnomAD 0.00001 and 0.00003; TOPMed 0.00001; gnomAD exomes 0.00009 and 0.00021; ExAC 0.00020.
gnomAD v4.1: 141 of 1,613,960 alleles (0.0087%); highest among the groups gnomAD compares: South Asian, 0.14%; 3 homozygotes.

Submission:

Labcorp Genetics (formerly Invitae), Labcorp
Classification: Uncertain significance. Last evaluated: 2025-12-31. Review status: criteria provided, single submitter. Criteria: Invitae Variant Classification Sherloc (09022015). Collection method: clinical testing. Allele origin: germline.
Comment: This sequence change replaces leucine, which is neutral and non-polar, with serine, which is neutral and polar, at codon 318 of the DHX32 protein (p.Leu318Ser). This variant is present in population databases (rs753137986, gnomAD 0.2%), and has an allele count higher than expected for a pathogenic variant. This variant has not been reported in the literature in individuals affected with DHX32-related conditions. ClinVar contains an entry for this variant (Variation ID: 1400871). An algorithm developed to predict the effect of missense changes on protein structure and function (PolyPhen-2) suggests that this variant is likely to be tolerated. In summary, the available evidence is currently insufficient to determine the role of this variant in disease. Therefore, it has been classified as a Variant of Uncertain Significance.

NM_018180.3(DHX32):c.953T>C (p.Leu318Ser)

Gene: DHX32 (DEAH-box helicase 32 (putative); minus strand). Cytogenetic location: 10q26.2.
Variant type: single nucleotide variant.
Coding change: c.953T>C on transcript NM_018180.3 (MANE Select); coding-DNA position 953, T replaced by C.
Protein change: p.Leu318Ser; replaces leucine 318 with serine.
Molecular consequence: missense variant.
Genome position (GRCh38, 1-based): chr10:125,854,100, A>G on the plus strand (T>C on the coding strand, the complement: DHX32 is on the minus strand). VCF-style: chr10-125854100-A-G. GRCh37 (hg19) VCF-style: chr10-127542669-A-G.
Other names: short protein forms L318S.
Identifiers: ClinVar variation 1400871 (VCV001400871.7), dbSNP rs753137986, ClinGen allele CA5739345.